The following is an entry in ClinVar:

ClinVar aggregate classification (germline): Uncertain significance (1 of 4 stars; one submission).

Submission:

Labcorp Genetics (formerly Invitae), Labcorp
Classification: Uncertain significance. Last evaluated: 2022-03-04. Review status: criteria provided, single submitter. Criteria: Invitae Variant Classification Sherloc (09022015). Collection method: clinical testing. Allele origin: germline.
Comment: This sequence change replaces serine, which is neutral and polar, with phenylalanine, which is neutral and non-polar, at codon 220 of the RAI1 protein (p.Ser220Phe). This variant is not present in population databases (gnomAD no frequency). This variant has not been reported in the literature in individuals affected with RAI1-related conditions. Algorithms developed to predict the effect of missense changes on protein structure and function are either unavailable or do not agree on the potential impact of this missense change (SIFT: "Deleterious"; PolyPhen-2: "Probably Damaging"; Align-GVGD: "Class C0"). In summary, the available evidence is currently insufficient to determine the role of this variant in disease. Therefore, it has been classified as a Variant of Uncertain Significance.

NM_030665.4(RAI1):c.659C>T (p.Ser220Phe)

Gene: RAI1 (retinoic acid induced 1; plus strand). Cytogenetic location: 17p11.2.
Variant type: single nucleotide variant.
Coding change: c.659C>T on transcript NM_030665.4 (MANE Select); coding-DNA position 659, C replaced by T.
Protein change: p.Ser220Phe; replaces serine 220 with phenylalanine.
Molecular consequence: missense variant.
Genome position (GRCh38, 1-based): chr17:17,793,607, C>T. VCF-style: chr17-17793607-C-T. GRCh37 (hg19) VCF-style: chr17-17696921-C-T.
Other names: short protein forms S220F.
Identifiers: ClinVar variation 2106042 (VCV002106042.4), dbSNP rs2508570229, ClinGen allele CA398545944.
Genomic context (GRCh38, chr17:17,793,607, plus strand): 5'-CTCTGCCCTTCCCCCAGGGTACCCACTTTCCTCAGCATTCCCAGTCCTTCCCCACCTCCT[C>T]CACCTACTCCTCCTCTGTCCAGGGTGGTGGGCAGGGGGCCCACTCCTATAAGAGTTGCAC-3'
Protein context (NP_109590.3, residues 210-230): PQHSQSFPTS[Ser220Phe]TYSSSVQGGG